The following is an entry in ClinVar:

NM_001085487.3(MYSM1):c.244C>T (p.Pro82Ser)

Gene: MYSM1 (Myb like, SWIRM and MPN domains 1; minus strand). Cytogenetic location: 1p32.1.
Variant type: single nucleotide variant.
Coding change: c.244C>T on transcript NM_001085487.3 (MANE Select); coding-DNA position 244, C replaced by T.
Protein change: p.Pro82Ser; replaces proline 82 with serine.
Molecular consequence: missense variant.
Genome position (GRCh38, 1-based): chr1:58,690,392, G>A on the plus strand (C>T on the coding strand, the complement: MYSM1 is on the minus strand). VCF-style: chr1-58690392-G-A. GRCh37 (hg19) VCF-style: chr1-59156064-G-A.
Other names: short protein forms P82S.
Identifiers: ClinVar variation 4745388 (VCV004745388.1).
Genomic context (GRCh38, chr1:58,690,392, plus strand): 5'-GATTTTACCTCTTCATGTATTTTTTATCATCTTCCTTTTGATCAAGCCAGACTTTTTCCG[G>A]TTGTGATTTTTTAGATAAATAATATCTGTGTAACTATCAAGGAAACTTTTTAAACAATAT-3'
Protein context (NP_001078956.1, residues 72-92): EEYYLSKKSQ[Pro82Ser]EKVWLDQKED

ClinVar aggregate classification (germline): Uncertain significance (1 of 4 stars; one submission).

gnomAD v4.1: 5 of 1,600,164 alleles (0.00031%); highest among the groups gnomAD compares: South Asian, 0.0011%; no homozygotes.

Submission:

Labcorp Genetics (formerly Invitae), Labcorp
Classification: Uncertain significance. Last evaluated: 2025-08-10. Review status: criteria provided, single submitter. Criteria: Invitae Variant Classification Sherloc (09022015). Collection method: clinical testing. Allele origin: germline.
Comment: This sequence change replaces proline, which is neutral and non-polar, with serine, which is neutral and polar, at codon 82 of the MYSM1 protein (p.Pro82Ser). This variant is present in population databases (no rsID available, gnomAD 0.06%). This variant has not been reported in the literature in individuals affected with MYSM1-related conditions. Invitae Evidence Modeling of protein sequence and biophysical properties (such as structural, functional, and spatial information, amino acid conservation, physicochemical variation, residue mobility, and thermodynamic stability) indicates that this missense variant is not expected to disrupt MYSM1 protein function with a negative predictive value of 80%. In summary, the available evidence is currently insufficient to determine the role of this variant in disease. Therefore, it has been classified as a Variant of Uncertain Significance.